The following is an entry in ClinVar:

NM_000123.4(ERCC5):c.1934C>T (p.Ser645Leu)

Genes: BIVM-ERCC5 (BIVM-ERCC5 readthrough; plus strand), ERCC5 (ERCC excision repair 5, endonuclease; plus strand). Cytogenetic location: 13q33.1.
Variant type: single nucleotide variant.
Coding change: c.1934C>T on transcript NM_000123.4 (MANE Select); coding-DNA position 1934, C replaced by T.
Protein change: p.Ser645Leu; replaces serine 645 with leucine.
Molecular consequence: missense variant.
Genome position (GRCh38, 1-based): chr13:102,863,083, C>T. VCF-style: chr13-102863083-C-T. GRCh37 (hg19) VCF-style: chr13-103515433-C-T.
Other names: c.3296C>T, p.Ser1099Leu (NM_001204425.2); short protein forms S645L, S1099L.
Identifiers: ClinVar variation 4752991 (VCV004752991.1).

ClinVar aggregate classification (germline): Uncertain significance (1 of 4 stars; one submission).

gnomAD v4.1: 35 of 1,613,830 alleles (0.0022%); highest among the groups gnomAD compares: East Asian, 0.011%; no homozygotes.

Submission:

Labcorp Genetics (formerly Invitae), Labcorp
Classification: Uncertain significance. Last evaluated: 2025-08-02. Review status: criteria provided, single submitter. Criteria: Invitae Variant Classification Sherloc (09022015). Collection method: clinical testing. Allele origin: germline.
Comment: This sequence change replaces serine, which is neutral and polar, with leucine, which is neutral and non-polar, at codon 645 of the ERCC5 protein (p.Ser645Leu). This variant is present in population databases (rs189280373, gnomAD 0.003%). This variant has not been reported in the literature in individuals affected with ERCC5-related conditions. An algorithm developed to predict the effect of missense changes on protein structure and function (PolyPhen-2) suggests that this variant is likely to be disruptive. In summary, the available evidence is currently insufficient to determine the role of this variant in disease. Therefore, it has been classified as a Variant of Uncertain Significance.